The following is an entry in ClinVar:

NM_001942.4(DSG1):c.691G>A (p.Gly231Ser)

Gene: DSG1 (desmoglein 1; plus strand). Cytogenetic location: 18q12.1.
Variant type: single nucleotide variant.
Coding change: c.691G>A on transcript NM_001942.4 (MANE Select); coding-DNA position 691, G replaced by A.
Protein change: p.Gly231Ser; replaces glycine 231 with serine.
Molecular consequence: missense variant.
Genome position (GRCh38, 1-based): chr18:31,333,595, G>A. VCF-style: chr18-31333595-G-A. GRCh37 (hg19) VCF-style: chr18-28913558-G-A.
Other names: short protein forms G231S.
Identifiers: ClinVar variation 1041751 (VCV001041751.8), dbSNP rs535358304, ClinGen allele CA8925926.

ClinVar aggregate classification (germline): Uncertain significance (1 of 4 stars; one submission).

Allele frequency attached by ClinVar (database versions not stated): gnomAD 0.00006 and 0.00007; gnomAD exomes 0.00006 and 0.00008; ExAC 0.00007; TOPMed 0.00009.
gnomAD v4.1: 105 of 1,613,594 alleles (0.0065%); highest among the groups gnomAD compares: Admixed American, 0.038%; no homozygotes.

Submission:

Labcorp Genetics (formerly Invitae), Labcorp
Classification: Uncertain significance. Last evaluated: 2025-04-02. Review status: criteria provided, single submitter. Criteria: Invitae Variant Classification Sherloc (09022015). Collection method: clinical testing. Allele origin: germline.
Comment: This sequence change replaces glycine, which is neutral and non-polar, with serine, which is neutral and polar, at codon 231 of the DSG1 protein (p.Gly231Ser). This variant is present in population databases (rs535358304, gnomAD 0.04%). This variant has not been reported in the literature in individuals affected with DSG1-related conditions. ClinVar contains an entry for this variant (Variation ID: 1041751). Invitae Evidence Modeling of protein sequence and biophysical properties (such as structural, functional, and spatial information, amino acid conservation, physicochemical variation, residue mobility, and thermodynamic stability) indicates that this missense variant is not expected to disrupt DSG1 protein function with a negative predictive value of 80%. In summary, the available evidence is currently insufficient to determine the role of this variant in disease. Therefore, it has been classified as a Variant of Uncertain Significance.